The following is an entry in ClinVar:

NM_031935.3(HMCN1):c.109G>A (p.Glu37Lys)

Gene: HMCN1 (hemicentin 1; plus strand). Cytogenetic location: 1q25.3.
Variant type: single nucleotide variant.
Coding change: c.109G>A on transcript NM_031935.3 (MANE Select); coding-DNA position 109, G replaced by A.
Protein change: p.Glu37Lys; replaces glutamic acid 37 with lysine.
Molecular consequence: missense variant.
Genome position (GRCh38, 1-based): chr1:185,734,888, G>A. VCF-style: chr1-185734888-G-A. GRCh37 (hg19) VCF-style: chr1-185704020-G-A.
Other names: short protein forms E37K.
Identifiers: ClinVar variation 876422 (VCV000876422.9), dbSNP rs199574143, ClinGen allele CA1290745.

ClinVar aggregate classification (germline): Uncertain significance. Review status: criteria provided, multiple submitters, no conflicts (2 of 4 stars). 3 submissions from 3 submitters: Uncertain significance (3). Last evaluated 2025-09-28.

Conditions:
Age related macular degeneration 1 (ARMD1). Also called: MACULOPATHY, AGE-RELATED, 1. Identifiers: MedGen C1864205, MONDO:0011285, OMIM 603075.

Allele frequency attached by ClinVar (database versions not stated): TOPMed 0.00009; gnomAD 0.00011 and 0.00014; gnomAD exomes 0.00013 and 0.00014; ExAC 0.00016; ESP Exome Variant Server 0.00031.
gnomAD v4.1: 200 of 1,614,018 alleles (0.012%); highest among the groups gnomAD compares: Non-Finnish European, 0.016%; no homozygotes.

Submissions (3):

Labcorp Genetics (formerly Invitae), Labcorp
Classification: Uncertain significance. Last evaluated: 2025-09-28. Review status: criteria provided, single submitter. Criteria: Invitae Variant Classification Sherloc (09022015). Collection method: clinical testing. Allele origin: germline.
Comment: This sequence change replaces glutamic acid, which is acidic and polar, with lysine, which is basic and polar, at codon 37 of the HMCN1 protein (p.Glu37Lys). This variant is present in population databases (rs199574143, gnomAD 0.03%). This variant has not been reported in the literature in individuals affected with HMCN1-related conditions. ClinVar contains an entry for this variant (Variation ID: 876422). An algorithm developed to predict the effect of missense changes on protein structure and function (PolyPhen-2) suggests that this variant is likely to be disruptive. In summary, the available evidence is currently insufficient to determine the role of this variant in disease. Therefore, it has been classified as a Variant of Uncertain Significance.

Genome-Nilou Lab
Classification: Uncertain significance for Age related macular degeneration 1. Last evaluated: 2023-04-11. Review status: criteria provided, single submitter. Criteria: ACMG Guidelines, 2015. Collection method: clinical testing. Allele origin: germline. Affected: no.

Illumina Laboratory Services, Illumina
Classification: Uncertain significance for Age related macular degeneration 1. Last evaluated: 2018-01-12. Review status: criteria provided, single submitter. Criteria: ICSL Variant Classification Criteria 13 December 2019. Collection method: clinical testing. Allele origin: germline.